The following is an entry in ClinVar:

NM_000572.3(IL10):c.323A>G (p.His108Arg)

Genes: IL10 (interleukin 10; minus strand), IL19 (interleukin 19; plus strand), LOC129932369 (ATAC-STARR-seq lymphoblastoid active region 2419; plus strand). Cytogenetic location: 1q32.1.
Variant type: single nucleotide variant.
Coding change: c.323A>G on transcript NM_000572.3 (MANE Select); coding-DNA position 323, A replaced by G.
Protein change: p.His108Arg; replaces histidine 108 with arginine.
Molecular consequence: missense variant. On other transcripts: 5 prime UTR variant (1), non-coding transcript variant (1), intron variant (1).
Genome position (GRCh38, 1-based): chr1:206,770,962, T>C on the plus strand (A>G on the coding strand, the complement: IL10 is on the minus strand). VCF-style: chr1-206770962-T-C. GRCh37 (hg19) VCF-style: chr1-206944307-T-C.
Other names: c.-265T>C (NM_153758.5); c.68A>G, p.His23Arg (NM_001382624.1); c.-149+132T>C (NM_001393490.1); c.323A>G (NM_000572.2); short protein forms H108R, H23R.
Identifiers: ClinVar variation 1525940 (VCV001525940.8), dbSNP rs1307541646, ClinGen allele CA344482034.

ClinVar aggregate classification (germline): Uncertain significance (1 of 4 stars; one submission).

Conditions:
IL10-related early-onset inflammatory bowel disease. Also called: Immune dysregulation-inflammatory bowel disease-arthritis-recurrent infections syndrome; Autosomal recessive early-onset inflammatory bowel disease. Identifiers: Orphanet 238569, MedGen C4749850, MONDO:0016542.
Inflammatory bowel disease. Identifiers: Orphanet 104012, MedGen C0021390, MONDO:0005265.

gnomAD v4.1: 1 of 1,614,176 alleles (0.000062%); highest among the groups gnomAD compares: Non-Finnish European, 0.000085%; no homozygotes.

Submission:

Labcorp Genetics (formerly Invitae), Labcorp
Classification: Uncertain significance for Inflammatory bowel disease. Last evaluated: 2022-04-09. Review status: criteria provided, single submitter. Criteria: Invitae Variant Classification Sherloc (09022015). Collection method: clinical testing. Allele origin: germline.
Comment: This sequence change replaces histidine, which is basic and polar, with arginine, which is basic and polar, at codon 108 of the IL10 protein (p.His108Arg). In summary, the available evidence is currently insufficient to determine the role of this variant in disease. Therefore, it has been classified as a Variant of Uncertain Significance. Algorithms developed to predict the effect of missense changes on protein structure and function are either unavailable or do not agree on the potential impact of this missense change (SIFT: "Deleterious"; PolyPhen-2: "Benign"; Align-GVGD: "Class C0"). This variant has not been reported in the literature in individuals affected with IL10-related conditions. This variant is not present in population databases (gnomAD no frequency).